The following is an entry in ClinVar:

ClinVar aggregate classification (germline): Uncertain significance (1 of 4 stars; one submission).

Submission:

Labcorp Genetics (formerly Invitae), Labcorp
Classification: Uncertain significance. Last evaluated: 2025-02-24. Review status: criteria provided, single submitter. Criteria: Invitae Variant Classification Sherloc (09022015). Collection method: clinical testing. Allele origin: germline.
Comment: This sequence change replaces alanine, which is neutral and non-polar, with glycine, which is neutral and non-polar, at codon 21 of the PAX1 protein (p.Ala21Gly). This variant is not present in population databases (gnomAD no frequency). This variant has not been reported in the literature in individuals affected with PAX1-related conditions. ClinVar contains an entry for this variant (Variation ID: 1386395). An algorithm developed to predict the effect of missense changes on protein structure and function (PolyPhen-2) suggests that this variant is likely to be tolerated. In summary, the available evidence is currently insufficient to determine the role of this variant in disease. Therefore, it has been classified as a Variant of Uncertain Significance.

NM_001257096.2(PAX1):c.62C>G (p.Ala21Gly)

Gene: PAX1 (paired box 1; plus strand). Cytogenetic location: 20p11.22.
Variant type: single nucleotide variant.
Coding change: c.62C>G on transcript NM_001257096.2 (MANE Select); coding-DNA position 62, C replaced by G.
Protein change: p.Ala21Gly; replaces alanine 21 with glycine.
Molecular consequence: missense variant.
Genome position (GRCh38, 1-based): chr20:21,705,774, C>G. VCF-style: chr20-21705774-C-G. GRCh37 (hg19) VCF-style: chr20-21686412-C-G.
Other names: c.62C>G, p.Ala21Gly (NM_006192.5); short protein forms A21G.
Identifiers: ClinVar variation 1386395 (VCV001386395.6), dbSNP rs2122130378, ClinGen allele CA408496790.